The following is an entry in ClinVar:

NM_015041.3(CLUAP1):c.401T>C (p.Ile134Thr)

Gene: CLUAP1 (clusterin associated protein 1; plus strand). Cytogenetic location: 16p13.3.
Variant type: single nucleotide variant.
Coding change: c.401T>C on transcript NM_015041.3 (MANE Select); coding-DNA position 401, T replaced by C.
Protein change: p.Ile134Thr; replaces isoleucine 134 with threonine.
Molecular consequence: missense variant. On other transcripts: intron variant (1).
Genome position (GRCh38, 1-based): chr16:3,512,384, T>C. VCF-style: chr16-3512384-T-C. GRCh37 (hg19) VCF-style: chr16-3562384-T-C.
Other names: c.401T>C, p.Ile134Thr (NM_001330454.2); c.-4+2415T>C (NM_024793.3); short protein forms I134T.
Identifiers: ClinVar variation 1390496 (VCV001390496.6), dbSNP rs145809107, ClinGen allele CA276928736.
Genomic context (GRCh38, chr16:3,512,384, plus strand): 5'-CTGTCTCTATTAAAAAACATCTGTTGCTGAGGTTTCTGTTTTTGTTATTTTCCTTCCAGA[T>C]TGCAGATTTGAAGGCAGCCAGGCAGCTTGCGTCTGAAATCACCTCCAAAGGAGCATCTCT-3'
Protein context (NP_055856.1, residues 124-144): NKFKFDLGSK[Ile134Thr]ADLKAARQLA

ClinVar aggregate classification (germline): Uncertain significance (1 of 4 stars; one submission).

Allele frequency attached by ClinVar (database versions not stated): gnomAD exomes below 0.00001.
gnomAD v4.1: 1 of 1,612,740 alleles (0.000062%); highest among the groups gnomAD compares: Non-Finnish European, 0.000085%; no homozygotes.

Submission:

Labcorp Genetics (formerly Invitae), Labcorp
Classification: Uncertain significance. Last evaluated: 2023-12-07. Review status: criteria provided, single submitter. Criteria: Invitae Variant Classification Sherloc (09022015). Collection method: clinical testing. Allele origin: germline.
Comment: This sequence change replaces isoleucine, which is neutral and non-polar, with threonine, which is neutral and polar, at codon 134 of the CLUAP1 protein (p.Ile134Thr). This variant is not present in population databases (gnomAD no frequency). This variant has not been reported in the literature in individuals affected with CLUAP1-related conditions. ClinVar contains an entry for this variant (Variation ID: 1390496). An algorithm developed to predict the effect of missense changes on protein structure and function (PolyPhen-2) suggests that this variant is likely to be tolerated. In summary, the available evidence is currently insufficient to determine the role of this variant in disease. Therefore, it has been classified as a Variant of Uncertain Significance.